The following is an entry in ClinVar:

ClinVar aggregate classification (germline): Likely pathogenic (1 of 4 stars; one submission).

Conditions:
Neurofibromatosis, type 1 (NF1). Also called: NEUROFIBROMATOSIS, TYPE I, SOMATIC; Peripheral type neurofibromatosis; VON RECKLINGHAUSEN DISEASE; Neurofibromatosis, type I. Identifiers: Orphanet 636, MedGen C0027831, MONDO:0018975, OMIM 162200. Disease mechanism: loss of function.

Submission:

Labcorp Genetics (formerly Invitae), Labcorp
Classification: Likely pathogenic for Neurofibromatosis, type 1. Last evaluated: 2022-11-06. Review status: criteria provided, single submitter. Criteria: Invitae Variant Classification Sherloc (09022015). Collection method: clinical testing. Allele origin: germline.
Comment: In summary, the currently available evidence indicates that the variant is pathogenic, but additional data are needed to prove that conclusively. Therefore, this variant has been classified as Likely Pathogenic. This sequence change replaces serine, which is neutral and polar, with phenylalanine, which is neutral and non-polar, at codon 47 of the NF1 protein (p.Ser47Phe). This variant is not present in population databases (gnomAD no frequency). This variant has not been reported in the literature in individuals affected with NF1-related conditions. Advanced modeling of protein sequence and biophysical properties (such as structural, functional, and spatial information, amino acid conservation, physicochemical variation, residue mobility, and thermodynamic stability) performed at Invitae indicates that this missense variant is expected to disrupt NF1 protein function. This variant disrupts the p.Ser47 amino acid residue in NF1. Other variant(s) that disrupt this residue have been determined to be pathogenic (PMID: 27322474, 27716896). This suggests that this residue is clinically significant, and that variants that disrupt this residue are likely to be disease-causing.

Literature cited by the submitters: PubMed 27322474; PubMed 27716896.

NM_001042492.3(NF1):c.140C>T (p.Ser47Phe)

Gene: NF1 (neurofibromin 1; plus strand). Cytogenetic location: 17q11.2.
Variant type: single nucleotide variant.
Coding change: c.140C>T on transcript NM_001042492.3 (MANE Select); coding-DNA position 140, C replaced by T.
Protein change: p.Ser47Phe; replaces serine 47 with phenylalanine.
Molecular consequence: missense variant.
Genome position (GRCh38, 1-based): chr17:31,156,062, C>T. VCF-style: chr17-31156062-C-T. GRCh37 (hg19) VCF-style: chr17-29483080-C-T.
Other names: c.140C>T, p.Ser47Phe (NM_000267.4, NM_001128147.3); short protein forms S47F.
Identifiers: ClinVar variation 2812456 (VCV002812456.3), dbSNP rs1401356668, ClinGen allele CA398988443.